The following is an entry in ClinVar:

NM_001080409.3(ZNF99):c.1260T>G (p.Thr420=)

Gene: ZNF99 (zinc finger protein 99; minus strand). Cytogenetic location: 19p12.
Variant type: single nucleotide variant.
Coding change: c.1260T>G on transcript NM_001080409.3 (MANE Select); coding-DNA position 1260, T replaced by G.
Protein change: p.Thr420=; no amino-acid change (threonine 420 retained).
Molecular consequence: synonymous variant.
Genome position (GRCh38, 1-based): chr19:22,758,649, A>C on the plus strand (T>G on the coding strand, the complement: ZNF99 is on the minus strand). VCF-style: chr19-22758649-A-C. GRCh37 (hg19) VCF-style: chr19-22941451-A-C.
Identifiers: ClinVar variation 2649658 (VCV002649658.24), dbSNP rs1179782454, ClinGen allele CA506620170.

ClinVar aggregate classification (germline): Likely benign (1 of 4 stars; one submission).

Submission:

CeGaT Center for Human Genetics Tuebingen
Classification: Likely benign. Last evaluated: 2023-10-01. Review status: criteria provided, single submitter. Criteria: CeGaT Center For Human Genetics Tuebingen Variant Classification Criteria Version 2. Collection method: clinical testing. Allele origin: germline. Affected: yes. Observed: 4 variant alleles.
Comment: ZNF99: BP4, BP7